The following is an entry in ClinVar:

NM_000551.4(VHL):c.51G>C (p.Glu17Asp)

Gene: VHL (von Hippel-Lindau tumor suppressor; plus strand). Cytogenetic location: 3p25.3.
Variant type: single nucleotide variant.
Coding change: c.51G>C on transcript NM_000551.4 (MANE Select); coding-DNA position 51, G replaced by C.
Protein change: p.Glu17Asp; replaces glutamic acid 17 with aspartic acid.
Molecular consequence: missense variant. On other transcripts: non-coding transcript variant (1).
Genome position (GRCh38, 1-based): chr3:10,141,898, G>C. VCF-style: chr3-10141898-G-C. GRCh37 (hg19) VCF-style: chr3-10183582-G-C.
Other names: c.51G>C, p.Glu17Asp (NM_198156.3, NM_001354723.2); short protein forms E17D.
Identifiers: ClinVar variation 3753891 (VCV003753891.3).
Genomic context (GRCh38, chr3:10,141,898, plus strand): 5'-CGCGGAGGGAATGCCCCGGAGGGCGGAGAACTGGGACGAGGCCGAGGTAGGCGCGGAGGA[G>C]GCAGGCGTCGAAGAGTACGGCCCTGAAGAAGACGGCGGGGAGGAGTCGGGCGCCGAGGAG-3'
Protein context (NP_000542.1, residues 7-27): NWDEAEVGAE[Glu17Asp]AGVEEYGPEE

ClinVar aggregate classification (germline): Uncertain significance. Review status: criteria provided, multiple submitters, no conflicts (2 of 4 stars). 2 submissions from 2 submitters: Uncertain significance (2). Last evaluated 2025-10-06.

Conditions:
Hereditary cancer-predisposing syndrome. Also called: Neoplastic Syndromes, Hereditary; Tumor predisposition; Hereditary Cancer Syndrome; Hereditary neoplastic syndrome. Identifiers: Orphanet 140162, MedGen C0027672, MeSH D009386, MONDO:0015356.
Chuvash polycythemia. Also called: POLYCYTHEMIA, VHL-DEPENDENT. Identifiers: Orphanet 238557, MedGen C1837915, MONDO:0009892, OMIM 263400.
Von Hippel-Lindau syndrome (VHLS). Also called: VHL syndrome; von Hippel–Lindau syndrome; Von Hippel-Lindau. Identifiers: Orphanet 892, MedGen C0019562, MONDO:0008667, OMIM 193300. Disease mechanism: loss of function.

Submissions (2):

Ambry Genetics
Classification: Uncertain significance for Hereditary cancer-predisposing syndrome. Last evaluated: 2025-10-06. Review status: criteria provided, single submitter. Criteria: Ambry Variant Classification Scheme 2023. Collection method: clinical testing. Allele origin: germline.
Comment: The p.E17D variant (also known as c.51G>C), located in coding exon 1 of the VHL gene, results from a G to C substitution at nucleotide position 51. The glutamic acid at codon 17 is replaced by aspartic acid, an amino acid with highly similar properties. This amino acid position is highly conserved in available vertebrate species. In addition, the in silico prediction for this alteration is inconclusive. Based on the available evidence, the clinical significance of this variant remains unclear.

Labcorp Genetics (formerly Invitae), Labcorp
Classification: Uncertain significance for Von Hippel-Lindau syndrome; Chuvash polycythemia. Last evaluated: 2024-04-06. Review status: criteria provided, single submitter. Criteria: Invitae Variant Classification Sherloc (09022015). Collection method: clinical testing. Allele origin: germline.
Comment: This sequence change replaces glutamic acid, which is acidic and polar, with aspartic acid, which is acidic and polar, at codon 17 of the VHL protein (p.Glu17Asp). This variant is not present in population databases (gnomAD no frequency). This variant has not been reported in the literature in individuals affected with VHL-related conditions. Advanced modeling of protein sequence and biophysical properties (such as structural, functional, and spatial information, amino acid conservation, physicochemical variation, residue mobility, and thermodynamic stability) performed at Invitae indicates that this missense variant is not expected to disrupt VHL protein function with a negative predictive value of 95%. In summary, the available evidence is currently insufficient to determine the role of this variant in disease. Therefore, it has been classified as a Variant of Uncertain Significance.